The following is an entry in ClinVar:

ClinVar aggregate classification (germline): Likely benign (0 of 4 stars; one submission).

Conditions:
BBS5-related disorder. Also called: BBS5-related condition.

gnomAD v4.1: 1 of 1,537,350 alleles (0.000065%); highest among the groups gnomAD compares: Non-Finnish European, 0.00009%; no homozygotes.

Submission:

PreventionGenetics, part of Exact Sciences
Classification: Likely benign for BBS5-related condition. Last evaluated: 2024-03-07. Review status: no assertion criteria provided. Collection method: clinical testing. Allele origin: germline.
Comment: This variant is classified as likely benign based on ACMG/AMP sequence variant interpretation guidelines (Richards et al. 2015 PMID: 25741868, with internal and published modifications).

NM_152384.3(BBS5):c.142+3G>A

Gene: BBS5 (Bardet-Biedl syndrome 5; plus strand). Cytogenetic location: 2q31.1.
Variant type: single nucleotide variant.
Coding change: c.142+3G>A on transcript NM_152384.3 (MANE Select); 3 bases into the intron after coding-DNA position 142, G replaced by A.
Molecular consequence: intron variant.
Genome position (GRCh38, 1-based): chr2:169,482,336, G>A. VCF-style: chr2-169482336-G-A. GRCh37 (hg19) VCF-style: chr2-170338846-G-A.
Identifiers: ClinVar variation 3348150 (VCV003348150.1).